The following is an entry in ClinVar:

NM_020184.4(CNNM4):c.694_722del (p.Ile232fs)

Gene: CNNM4 (cyclin and CBS domain divalent metal cation transport mediator 4; plus strand). Cytogenetic location: 2q11.2.
Variant type: Deletion.
Coding change: c.694_722del on transcript NM_020184.4 (MANE Select); coding-DNA positions 694 to 722, 29 bases deleted (ATTGAGCCCATCCGGCGCAAGGGCAACTA).
Protein change: p.Ile232fs; shifts the reading frame from isoleucine 232.
Molecular consequence: frameshift variant.
Genome position (GRCh38, 1-based): chr2:96,761,693-96,761,721, ATTGAGCCCATCCGGCGCAAGGGCAACTA deleted. VCF-style (leftmost placement, unchanged base first): chr2-96761692-GATTGAGCCCATCCGGCGCAAGGGCAACTA-G. GRCh37 (hg19) VCF-style: chr2-97427429-GATTGAGCCCATCCGGCGCAAGGGCAACTA-G.
Other names: short protein forms I232fs.
Identifiers: ClinVar variation 1712331 (VCV001712331.1), dbSNP rs2469454032, ClinGen allele CA2580068340.

ClinVar aggregate classification (germline): Likely pathogenic (1 of 4 stars; one submission).

Conditions:
Jalili syndrome. Also called: CONE-ROD DYSTROPHY AND AMELOGENESIS IMPERFECTA. Identifiers: Orphanet 1873, MedGen C3495589, MONDO:0009007, OMIM 217080.

Submission:

Institute of Human Genetics, University of Leipzig Medical Center
Classification: Likely pathogenic for Jalili syndrome. Last evaluated: 2022-10-11. Review status: criteria provided, single submitter. Criteria: ACMG Guidelines, 2015. Collection method: clinical testing. Allele origin: unknown. Affected: yes.
Comment: This variant was identified as compound heterozygous with NM_020184.4:c.1312dup._x000D_ Criteria applied: PVS1, PM2_SUP